The following is an entry in ClinVar:

NM_004727.3(SLC24A1):c.1322C>T (p.Pro441Leu)

Gene: SLC24A1 (solute carrier family 24 member 1; plus strand). Cytogenetic location: 15q22.31.
Variant type: single nucleotide variant.
Coding change: c.1322C>T on transcript NM_004727.3 (MANE Select); coding-DNA position 1322, C replaced by T.
Protein change: p.Pro441Leu; replaces proline 441 with leucine.
Molecular consequence: missense variant.
Genome position (GRCh38, 1-based): chr15:65,625,402, C>T. VCF-style: chr15-65625402-C-T. GRCh37 (hg19) VCF-style: chr15-65917740-C-T.
Other names: c.1322C>T, p.Pro441Leu (NM_001301031.1, NM_001301032.1, NM_001301033.2 and 1 more transcripts); short protein forms P441L.
Identifiers: ClinVar variation 2093159 (VCV002093159.4), dbSNP rs917664717, ClinGen allele CA271588621.

ClinVar aggregate classification (germline): Uncertain significance (1 of 4 stars; one submission).

Submission:

Labcorp Genetics (formerly Invitae), Labcorp
Classification: Uncertain significance. Last evaluated: 2024-12-02. Review status: criteria provided, single submitter. Criteria: Invitae Variant Classification Sherloc (09022015). Collection method: clinical testing. Allele origin: germline.
Comment: This sequence change replaces proline, which is neutral and non-polar, with leucine, which is neutral and non-polar, at codon 441 of the SLC24A1 protein (p.Pro441Leu). This variant is not present in population databases (gnomAD no frequency). This variant has not been reported in the literature in individuals affected with SLC24A1-related conditions. ClinVar contains an entry for this variant (Variation ID: 2093159). An algorithm developed to predict the effect of missense changes on protein structure and function (PolyPhen-2) suggests that this variant is likely to be disruptive. In summary, the available evidence is currently insufficient to determine the role of this variant in disease. Therefore, it has been classified as a Variant of Uncertain Significance.